The following is an entry in ClinVar:

ClinVar aggregate classification (germline): Conflicting classifications of pathogenicity. Review status: criteria provided, conflicting classifications (1 of 4 stars). 2 submissions from 2 submitters: Uncertain significance (1); Benign (1). Last evaluated 2025-03-25.

Conditions:
Charcot-Marie-Tooth disease type 2. Also called: Charcot-Marie-Tooth type 2. Identifiers: Orphanet 64746, MedGen C0270914, MONDO:0018993.

Allele frequency attached by ClinVar (database versions not stated): gnomAD 0.00001; ExAC 0.00002; 1000 Genomes Project 30x 0.00016; 1000 Genomes Project 0.00020; gnomAD exomes 0.00001.
gnomAD v4.1: 6 of 1,609,928 alleles (0.00037%); highest among the groups gnomAD compares: Admixed American, 0.01%; no homozygotes.

Submissions (2):

Labcorp Genetics (formerly Invitae), Labcorp
Classification: Uncertain significance for Charcot-Marie-Tooth disease type 2. Last evaluated: 2025-03-25. Review status: criteria provided, single submitter. Criteria: Invitae Variant Classification Sherloc (09022015). Collection method: clinical testing. Allele origin: germline.
Comment: This sequence change replaces asparagine, which is neutral and polar, with threonine, which is neutral and polar, at codon 996 of the KIF1B protein (p.Asn996Thr). This variant is present in population databases (rs201731199, gnomAD 0.01%). This variant has not been reported in the literature in individuals affected with KIF1B-related conditions. ClinVar contains an entry for this variant (Variation ID: 1798453). An algorithm developed to predict the effect of missense changes on protein structure and function (PolyPhen-2) suggests that this variant is likely to be tolerated. In summary, the available evidence is currently insufficient to determine the role of this variant in disease. Therefore, it has been classified as a Variant of Uncertain Significance.

Ambry Genetics
Classification: Benign. Last evaluated: 2024-09-05. Review status: criteria provided, single submitter. Criteria: Ambry Variant Classification Scheme 2023. Collection method: clinical testing. Allele origin: germline.

NM_001365951.3(KIF1B):c.3125A>C (p.Asn1042Thr)

Gene: KIF1B (kinesin family member 1B; plus strand). Cytogenetic location: 1p36.22.
Variant type: single nucleotide variant.
Coding change: c.3125A>C on transcript NM_001365951.3 (MANE Select); coding-DNA position 3125, A replaced by C.
Protein change: p.Asn1042Thr; replaces asparagine 1042 with threonine.
Molecular consequence: missense variant.
Genome position (GRCh38, 1-based): chr1:10,336,738, A>C. VCF-style: chr1-10336738-A-C. GRCh37 (hg19) VCF-style: chr1-10396796-A-C.
Other names: c.3125A>C, p.Asn1042Thr (NM_001365952.1); c.2987A>C, p.Asn996Thr (NM_015074.3); short protein forms N996T, N1042T.
Identifiers: ClinVar variation 1798453 (VCV001798453.6), dbSNP rs201731199, ClinGen allele CA581703.
Genomic context (GRCh38, chr1:10,336,738, plus strand): 5'-ATGGCTCTGGAATTCGACAGTCAGGAACAGCTAAAATATCTTTTGATAATGAATACTTTA[A>C]TCAGGTGAGAAACCGTCAGGAAGAAGGAAAACCCTGTGGAAAGAGAAAGAATGTTCAGCA-3'
Protein context (NP_001352880.1, residues 1032-1052): AKISFDNEYF[Asn1042Thr]QSDFSSVAMT